The following is an entry in ClinVar:

NM_001278716.2(FBXL4):c.1722G>A (p.Pro574=)

Gene: FBXL4 (F-box and leucine rich repeat protein 4; minus strand). Cytogenetic location: 6q16.1.
Variant type: single nucleotide variant.
Coding change: c.1722G>A on transcript NM_001278716.2 (MANE Select); coding-DNA position 1722, G replaced by A.
Protein change: p.Pro574=; no amino-acid change (proline 574 retained).
Molecular consequence: synonymous variant. On other transcripts: non-coding transcript variant (1).
Genome position (GRCh38, 1-based): chr6:98,874,422, C>T on the plus strand (G>A on the coding strand, the complement: FBXL4 is on the minus strand). VCF-style: chr6-98874422-C-T. GRCh37 (hg19) VCF-style: chr6-99322298-C-T.
Other names: c.1722G>A, p.Pro574= (NM_012160.5).
Identifiers: ClinVar variation 437800 (VCV000437800.2), dbSNP rs373647205, ClinGen allele CA3933357.

ClinVar aggregate classification (germline): Conflicting classifications of pathogenicity. Review status: criteria provided, conflicting classifications (1 of 4 stars). 2 submissions from 2 submitters: Uncertain significance (1); Likely benign (1). Last evaluated 2025-12-08.

Conditions:
Mitochondrial DNA depletion syndrome 13. Also called: FBXL4-Related Encephalomyopathic Mitochondrial DNA Depletion Syndrome; Mitochondrial DNA depletion syndrome 13 (encephalomyopathic type). Identifiers: Orphanet 369897, MedGen C3809592, MONDO:0014198, OMIM 615471.

Allele frequency attached by ClinVar (database versions not stated): ExAC 0.00002; gnomAD 0.00002 and 0.00003; gnomAD exomes 0.00002; TOPMed 0.00002; ESP Exome Variant Server 0.00008.
gnomAD v4.1: 10 of 1,607,314 alleles (0.00062%); highest among the groups gnomAD compares: African/African-American, 0.0094%; no homozygotes.

Submissions (2):

Labcorp Genetics (formerly Invitae), Labcorp
Classification: Likely benign. Last evaluated: 2025-12-08. Review status: criteria provided, single submitter. Criteria: Invitae Variant Classification Sherloc (09022015). Collection method: clinical testing. Allele origin: germline.

Wong Mito Lab, Molecular and Human Genetics, Baylor College of Medicine
Classification: Uncertain significance for Mitochondrial DNA depletion syndrome 13. Last evaluated: 2017-08-10. Review status: criteria provided, single submitter. Criteria: ACMG Guidelines, 2015. Collection method: reference population. Allele origin: germline.
Comment: The NM_012160.4:c.1722G>A (NP_036292.2:p.Pro574=) [GRCH38: NC_000006.12:g.98874422C>T] variant in FBXL4 gene is interpretated to be a Uncertain Significance - Conflicting Evidence based on ACMG guidelines (PMID: 25741868). This variant meets one or more of the following evidence codes reported in the ACMG-guideline. PM2:This variant is absent in key population databases. BP4:Computational evidence/predictors indicate no impact on the FBXL4 structure, function, or protein-protein interaction. BP7:The variant is silent with non predicted splice impact. Based on this evidence code ClinGen Pathogenicity Calculator (PMID:28081714) suggested that the variant is Uncertain Significance - Conflicting Evidence.